The following is an entry in ClinVar:

ClinVar aggregate classification (germline): Uncertain significance. Review status: criteria provided, multiple submitters, no conflicts (2 of 4 stars). 2 submissions from 2 submitters: Uncertain significance (2). Last evaluated 2023-04-27.

Conditions:
Neurofibromatosis, type 1 (NF1). Also called: Peripheral type neurofibromatosis; VON RECKLINGHAUSEN DISEASE; NEUROFIBROMATOSIS, TYPE I, SOMATIC; Neurofibromatosis, type I. Identifiers: Orphanet 636, MedGen C0027831, MONDO:0018975, OMIM 162200. Disease mechanism: loss of function.
Cardiovascular phenotype. Identifiers: MedGen CN230736.
Hereditary cancer-predisposing syndrome. Also called: Hereditary neoplastic syndrome; Tumor predisposition; Neoplastic Syndromes, Hereditary; Hereditary Cancer Syndrome. Identifiers: Orphanet 140162, MedGen C0027672, MeSH D009386, MONDO:0015356.

Submissions (2):

Labcorp Genetics (formerly Invitae), Labcorp
Classification: Uncertain significance for Neurofibromatosis, type 1. Last evaluated: 2023-04-27. Review status: criteria provided, single submitter. Criteria: Invitae Variant Classification Sherloc (09022015). Collection method: clinical testing. Allele origin: germline.
Comment: This sequence change replaces valine, which is neutral and non-polar, with alanine, which is neutral and non-polar, at codon 1291 of the NF1 protein (p.Val1291Ala). In summary, the available evidence is currently insufficient to determine the role of this variant in disease. Therefore, it has been classified as a Variant of Uncertain Significance. An algorithm developed to predict the effect of missense changes on protein structure and function (PolyPhen-2) suggests that this variant is likely to be disruptive. ClinVar contains an entry for this variant (Variation ID: 1715808). This variant has not been reported in the literature in individuals affected with NF1-related conditions. This variant is not present in population databases (gnomAD no frequency).

Ambry Genetics
Classification: Uncertain significance for Cardiovascular phenotype; Hereditary cancer-predisposing syndrome. Last evaluated: 2021-07-23. Review status: criteria provided, single submitter. Criteria: Ambry Variant Classification Scheme 2023. Collection method: clinical testing. Allele origin: germline.
Comment: The p.V1291A variant (also known as c.3872T>C), located in coding exon 29 of the NF1 gene, results from a T to C substitution at nucleotide position 3872. The valine at codon 1291 is replaced by alanine, an amino acid with similar properties. This amino acid position is highly conserved in available vertebrate species. In addition, the in silico prediction for this alteration is inconclusive. Since supporting evidence is limited at this time, the clinical significance of this alteration remains unclear.

NM_001042492.3(NF1):c.3872T>C (p.Val1291Ala)

Gene: NF1 (neurofibromin 1; plus strand). Cytogenetic location: 17q11.2.
Variant type: single nucleotide variant.
Coding change: c.3872T>C on transcript NM_001042492.3 (MANE Select); coding-DNA position 3872, T replaced by C.
Protein change: p.Val1291Ala; replaces valine 1291 with alanine.
Molecular consequence: missense variant.
Genome position (GRCh38, 1-based): chr17:31,235,919, T>C. VCF-style: chr17-31235919-T-C. GRCh37 (hg19) VCF-style: chr17-29562937-T-C.
Other names: c.3872T>C, p.Val1291Ala (NM_000267.4); short protein forms V1291A.
Identifiers: ClinVar variation 1715808 (VCV001715808.8), dbSNP rs2151438496, ClinGen allele CA398992987.